The following is an entry in ClinVar:

NM_002439.5(MSH3):c.2258T>C (p.Met753Thr)

Gene: MSH3 (mutS homolog 3; plus strand). Cytogenetic location: 5q14.1.
Variant type: single nucleotide variant.
Coding change: c.2258T>C on transcript NM_002439.5 (MANE Select); coding-DNA position 2258, T replaced by C.
Protein change: p.Met753Thr; replaces methionine 753 with threonine.
Molecular consequence: missense variant.
Genome position (GRCh38, 1-based): chr5:80,775,698, T>C. VCF-style: chr5-80775698-T-C. GRCh37 (hg19) VCF-style: chr5-80071517-T-C.
Other names: short protein forms M753T.
Identifiers: ClinVar variation 2824220 (VCV002824220.3), dbSNP rs2546777840, ClinGen allele CA360280678.

ClinVar aggregate classification (germline): Uncertain significance (1 of 4 stars; one submission).

Submission:

Labcorp Genetics (formerly Invitae), Labcorp
Classification: Uncertain significance. Last evaluated: 2022-12-26. Review status: criteria provided, single submitter. Criteria: Invitae Variant Classification Sherloc (09022015). Collection method: clinical testing. Allele origin: germline.
Comment: In summary, the available evidence is currently insufficient to determine the role of this variant in disease. Therefore, it has been classified as a Variant of Uncertain Significance. This sequence change replaces methionine, which is neutral and non-polar, with threonine, which is neutral and polar, at codon 753 of the MSH3 protein (p.Met753Thr). This variant is not present in population databases (gnomAD no frequency). This variant has not been reported in the literature in individuals affected with MSH3-related conditions. Algorithms developed to predict the effect of missense changes on protein structure and function are either unavailable or do not agree on the potential impact of this missense change (SIFT: "Deleterious"; PolyPhen-2: "Benign"; Align-GVGD: "Class C0").